The following is an entry in ClinVar:

NM_002519.3(NPAT):c.3206C>T (p.Thr1069Ile)

Gene: NPAT (nuclear protein, coactivator of histone transcription; minus strand). Cytogenetic location: 11q22.3.
Variant type: single nucleotide variant.
Coding change: c.3206C>T on transcript NM_002519.3 (MANE Select); coding-DNA position 3206, C replaced by T.
Protein change: p.Thr1069Ile; replaces threonine 1069 with isoleucine.
Molecular consequence: missense variant.
Genome position (GRCh38, 1-based): chr11:108,161,880, G>A on the plus strand (C>T on the coding strand, the complement: NPAT is on the minus strand). VCF-style: chr11-108161880-G-A. GRCh37 (hg19) VCF-style: chr11-108032607-G-A.
Other names: c.3227C>T, p.Thr1076Ile (NM_001321307.1); short protein forms T1069I, T1076I.
Identifiers: ClinVar variation 3222578 (VCV003222578.1), dbSNP rs372365093, ClinGen allele CA382511308.

ClinVar aggregate classification (germline): Uncertain significance (1 of 4 stars; one submission).

Submission:

Ambry Genetics
Classification: Uncertain significance. Last evaluated: 2023-10-22. Review status: criteria provided, single submitter. Criteria: Ambry Variant Classification Scheme 2023. Collection method: clinical testing. Allele origin: germline.
Comment: The p.T1069I variant (also known as c.3206C>T), located in coding exon 17 of the NPAT gene, results from a C to T substitution at nucleotide position 3206. The threonine at codon 1069 is replaced by isoleucine, an amino acid with similar properties. This amino acid position is conserved. In addition, this alteration is predicted to be tolerated by in silico analysis. Since supporting evidence is limited at this time, the clinical significance of this alteration remains unclear.